The following is an entry in ClinVar:

NM_005751.5(AKAP9):c.4861G>A (p.Glu1621Lys)

Gene: AKAP9 (A-kinase anchoring protein 9; plus strand). Cytogenetic location: 7q21.2.
Variant type: single nucleotide variant.
Coding change: c.4861G>A on transcript NM_005751.5 (MANE Select); coding-DNA position 4861, G replaced by A.
Protein change: p.Glu1621Lys; replaces glutamic acid 1621 with lysine.
Molecular consequence: missense variant.
Genome position (GRCh38, 1-based): chr7:92,040,842, G>A. VCF-style: chr7-92040842-G-A. GRCh37 (hg19) VCF-style: chr7-91670156-G-A.
Other names: c.4861G>A, p.Glu1621Lys (NM_147185.3); short protein forms E1621K.
Identifiers: ClinVar variation 4845164 (VCV004845164.1).

ClinVar aggregate classification (germline): Uncertain significance (1 of 4 stars; one submission).

Conditions:
Cardiovascular phenotype. Identifiers: MedGen CN230736.

gnomAD v4.1: 2 of 1,614,012 alleles (0.00012%); highest among the groups gnomAD compares: African/African-American, 0.0013%; no homozygotes.

Submission:

Ambry Genetics
Classification: Uncertain significance for Cardiovascular phenotype. Last evaluated: 2026-01-25. Review status: criteria provided, single submitter. Criteria: Ambry Variant Classification Scheme 2023. Collection method: clinical testing. Allele origin: germline.
Comment: The p.E1621K variant (also known as c.4861G>A), located in coding exon 18 of the AKAP9 gene, results from a G to A substitution at nucleotide position 4861. The glutamic acid at codon 1621 is replaced by lysine, an amino acid with similar properties. This amino acid position is conserved. In addition, this alteration is predicted to be tolerated by in silico analysis. Based on the available evidence, the clinical significance of this variant remains unclear.